The following is an entry in ClinVar:

ClinVar aggregate classification (germline): Conflicting classifications of pathogenicity. Review status: criteria provided, conflicting classifications (1 of 4 stars). 7 submissions from 2 submitters: Uncertain significance (4); Likely benign (3). Last evaluated 2024-09-04.

Conditions:
Retinitis pigmentosa (RP). Identifiers: Orphanet 791, MedGen C0035334, MeSH D012174, MONDO:0019200, OMIM 268000. Inheritance: Autosomal dominant, autosomal recessive and X linked inheritance.
Choroidal dystrophy, central areolar 2 (CACD2). Also called: Choriodal Dystrophy, Central Areolar 2; MACULAR DYSTROPHY, PROGRESSIVE. Identifiers: Orphanet 75377, MedGen C2751290, MONDO:0013137, OMIM 613105.
Pigmentary retinal dystrophy. Also called: Fundus albipunctatus. Identifiers: Orphanet 227796, Orphanet 52427, MedGen C0311338, MONDO:0007639, OMIM 136880, HP:0030642.
Cone-rod dystrophy. Also called: Cone/cone-rod dystrophy; Cone-rod degeneration. Identifiers: Orphanet 1872, MedGen C4085590, MONDO:0015993, HP:0000548.
Adult-onset foveomacular vitelliform dystrophy. Also called: FOVEOMACULAR DYSTROPHY, ADULT-ONSET, WITH OR WITHOUT CHOROIDAL NEOVASCULARIZATION; FOVEOMACULAR DYSTROPHY, ADULT-ONSET; Adult onset vitelliform dystrophy. Identifiers: Orphanet 99000, MedGen C1842914, MONDO:0011979.
PRPH2-related disorder. Also called: PRPH2-related disorders; PRPH2-related condition. Identifiers: MedGen CN239395.
Patterned macular dystrophy 1. Also called: BUTTERFLY DYSTROPHY OF RETINAL PIGMENT EPITHELIUM; MACULAR DYSTROPHY, BUTTERFLY-SHAPED PIGMENTARY. Identifiers: Orphanet 99001, MedGen C4551999, MONDO:0008210, OMIM 169150.

Allele frequency attached by ClinVar (database versions not stated): TOPMed below 0.00001; ExAC 0.00002; gnomAD exomes 0.00001.
gnomAD v4.1: 8 of 1,614,210 alleles (0.0005%); highest among the groups gnomAD compares: Non-Finnish European, 0.00068%; no homozygotes.

Submissions (7):

Labcorp Genetics (formerly Invitae), Labcorp
Classification: Likely benign for PRPH2-related disorder. Last evaluated: 2024-09-04. Review status: criteria provided, single submitter. Criteria: Invitae Variant Classification Sherloc (09022015). Collection method: clinical testing. Allele origin: germline.

Illumina Laboratory Services, Illumina
Classification: Uncertain significance for Cone-rod dystrophy. Last evaluated: 2018-01-13. Review status: criteria provided, single submitter. Criteria: ICSL Variant Classification Criteria 13 December 2019. Collection method: clinical testing. Allele origin: germline.

Illumina Laboratory Services, Illumina
Classification: Likely benign for Vitelliform macular dystrophy 3. Last evaluated: 2018-01-13. Review status: criteria provided, single submitter. Criteria: ICSL Variant Classification Criteria 13 December 2019. Collection method: clinical testing. Allele origin: germline.
Comment: This variant was observed in the ICSL laboratory as part of a predisposition screen in an ostensibly healthy population. It had not been previously curated by ICSL or reported in the Human Gene Mutation Database (HGMD: prior to June 1st, 2018), and was therefore a candidate for classification through an automated scoring system. Utilizing variant allele frequency, disease prevalence and penetrance estimates, and inheritance mode, an automated score was calculated to assess if this variant is too frequent to cause the disease. Based on the score and internal cut-off values, a variant classified as likely benign is not then subjected to further curation. The score for this variant resulted in a classification of likely benign for this disease.

Illumina Laboratory Services, Illumina
Classification: Uncertain significance for Retinitis pigmentosa. Last evaluated: 2018-01-13. Review status: criteria provided, single submitter. Criteria: ICSL Variant Classification Criteria 13 December 2019. Collection method: clinical testing. Allele origin: germline.

Illumina Laboratory Services, Illumina
Classification: Likely benign for Choroidal dystrophy, central areolar 2. Last evaluated: 2018-01-13. Review status: criteria provided, single submitter. Criteria: ICSL Variant Classification Criteria 13 December 2019. Collection method: clinical testing. Allele origin: germline.
Comment: the same text as in the submission from Illumina Laboratory Services, Illumina above.

Illumina Laboratory Services, Illumina
Classification: Uncertain significance for Pigmentary retinal dystrophy. Last evaluated: 2018-01-13. Review status: criteria provided, single submitter. Criteria: ICSL Variant Classification Criteria 13 December 2019. Collection method: clinical testing. Allele origin: germline.

Illumina Laboratory Services, Illumina
Classification: Uncertain significance for Patterned macular dystrophy 1. Last evaluated: 2018-01-13. Review status: criteria provided, single submitter. Criteria: ICSL Variant Classification Criteria 13 December 2019. Collection method: clinical testing. Allele origin: germline.

NM_000322.5(PRPH2):c.852C>A (p.Arg284=)

Gene: PRPH2 (peripherin 2; minus strand). Cytogenetic location: 6p21.1.
Variant type: single nucleotide variant.
Coding change: c.852C>A on transcript NM_000322.5 (MANE Select); coding-DNA position 852, C replaced by A.
Protein change: p.Arg284=; no amino-acid change (arginine 284 retained).
Molecular consequence: synonymous variant.
Genome position (GRCh38, 1-based): chr6:42,698,484, G>T on the plus strand (C>A on the coding strand, the complement: PRPH2 is on the minus strand). VCF-style: chr6-42698484-G-T. GRCh37 (hg19) VCF-style: chr6-42666222-G-T.
Identifiers: ClinVar variation 909882 (VCV000909882.9), dbSNP rs745807357, ClinGen allele CA3808497.